The following is an entry in ClinVar:

NM_004329.3(BMPR1A):c.1368A>G (p.Pro456=)

Gene: BMPR1A (bone morphogenetic protein receptor type 1A; plus strand). Cytogenetic location: 10q23.2.
Variant type: single nucleotide variant.
Coding change: c.1368A>G on transcript NM_004329.3 (MANE Select); coding-DNA position 1368, A replaced by G.
Protein change: p.Pro456=; no amino-acid change (proline 456 retained).
Molecular consequence: synonymous variant.
Genome position (GRCh38, 1-based): chr10:86,923,401, A>G. VCF-style: chr10-86923401-A-G. GRCh37 (hg19) VCF-style: chr10-88683158-A-G.
Identifiers: ClinVar variation 220263 (VCV000220263.52), dbSNP rs864622447, ClinGen allele CA348948.

ClinVar aggregate classification (germline): Benign/Likely benign. Review status: criteria provided, multiple submitters, no conflicts (2 of 4 stars). 9 submissions from 9 submitters: Benign (1); Likely benign (8). Last evaluated 2025-09-07.

Conditions:
Juvenile polyposis syndrome (JPS). Identifiers: Orphanet 2929, MedGen C0345893, MONDO:0017380, OMIM 174900.
Hereditary cancer-predisposing syndrome. Also called: Neoplastic Syndromes, Hereditary; Hereditary Cancer Syndrome; Tumor predisposition; Hereditary neoplastic syndrome. Identifiers: Orphanet 140162, MedGen C0027672, MeSH D009386, MONDO:0015356.

Allele frequency attached by ClinVar (database versions not stated): gnomAD exomes below 0.00001 and 0.00001; gnomAD 0.00002; TOPMed 0.00004.
gnomAD v4.1: 22 of 1,614,088 alleles (0.0014%); highest among the groups gnomAD compares: African/African-American, 0.004%; no homozygotes.

Submissions (9):

Labcorp Genetics (formerly Invitae), Labcorp
Classification: Likely benign for Juvenile polyposis syndrome. Last evaluated: 2025-09-07. Review status: criteria provided, single submitter. Criteria: Invitae Variant Classification Sherloc (09022015). Collection method: clinical testing. Allele origin: germline.

Myriad Genetics, Inc.
Classification: Benign for Juvenile polyposis syndrome. Last evaluated: 2024-08-07. Review status: criteria provided, single submitter. Criteria: Myriad Autosomal Dominant, Autosomal Recessive and X-Linked Classification Criteria (2023). Collection method: clinical testing. Allele origin: unknown.
Comment: This variant is considered benign. This variant is a silent/synonymous amino acid change and it is not expected to impact splicing.

All of Us Research Program, National Institutes of Health
Classification: Likely benign for Juvenile polyposis syndrome. Last evaluated: 2024-01-11. Review status: criteria provided, single submitter. Criteria: ACMG Guidelines, 2015. Collection method: clinical testing. Allele origin: germline. Inheritance: Autosomal dominant inheritance. Observed: 4 variant alleles, 4 heterozygotes.
Comment: This study involves interpretation of variants in research participants for the purpose of population health screening. Participant phenotype was not available at the time of variant classification. Additional details can be found in publication PMID: 35346344, PMCID: PMC8962531

CeGaT Center for Human Genetics Tuebingen
Classification: Likely benign. Last evaluated: 2022-09-01. Review status: criteria provided, single submitter. Criteria: CeGaT Center For Human Genetics Tuebingen Variant Classification Criteria Version 2. Collection method: clinical testing. Allele origin: germline. Affected: yes. Observed: 1 variant allele.
Comment: BMPR1A: BP4, BP7

Sema4
Classification: Likely benign for Hereditary cancer-predisposing syndrome. Last evaluated: 2020-11-16. Review status: criteria provided, single submitter. Criteria: Sema4 Curation Guidelines. Collection method: curation. Allele origin: germline.

Women's Health and Genetics/Laboratory Corporation of America, LabCorp
Classification: Likely benign. Last evaluated: 2019-11-17. Review status: criteria provided, single submitter. Criteria: LabCorp Variant Classification Summary - May 2015. Collection method: clinical testing. Allele origin: germline.

GeneDx
Classification: Likely benign. Last evaluated: 2017-07-11. Review status: criteria provided, single submitter. Criteria: GeneDx Variant Classification (06012015). Collection method: clinical testing. Allele origin: germline. Affected: yes.
Comment: This variant is considered likely benign or benign based on one or more of the following criteria: it is a conservative change, it occurs at a poorly conserved position in the protein, it is predicted to be benign by multiple in silico algorithms, and/or has population frequency not consistent with disease.

Color Diagnostics, LLC DBA Color Health
Classification: Likely benign for Hereditary cancer-predisposing syndrome. Last evaluated: 2017-01-22. Review status: criteria provided, single submitter. Criteria: ACMG Guidelines, 2015. Collection method: clinical testing. Allele origin: germline.

Ambry Genetics
Classification: Likely benign for Hereditary cancer-predisposing syndrome. Last evaluated: 2015-03-13. Review status: criteria provided, single submitter. Criteria: Ambry Variant Classification Scheme 2023. Collection method: clinical testing. Allele origin: germline.